The following is an entry in ClinVar:

NM_000494.4(COL17A1):c.509C>A (p.Ser170Ter)

Gene: COL17A1 (collagen type XVII alpha 1 chain; minus strand). Cytogenetic location: 10q25.1.
Variant type: single nucleotide variant.
Coding change: c.509C>A on transcript NM_000494.4 (MANE Select); coding-DNA position 509, C replaced by A.
Protein change: p.Ser170Ter; replaces serine 170 with a stop codon.
Molecular consequence: nonsense.
Genome position (GRCh38, 1-based): chr10:104,070,524, G>T on the plus strand (C>A on the coding strand, the complement: COL17A1 is on the minus strand). VCF-style: chr10-104070524-G-T. GRCh37 (hg19) VCF-style: chr10-105830282-G-T.
Other names: short protein forms S170*.
Identifiers: ClinVar variation 1339211 (VCV001339211.2), dbSNP rs763578030, ClinGen allele CA5679391.

ClinVar aggregate classification (germline): Likely pathogenic (1 of 4 stars; one submission).

Conditions:
Junctional epidermolysis bullosa, non-Herlitz type. Also called: Epidermolysis bullosa, junctional, non-herlitz type, somatic mosaic revertant; COL17A1-Related Junctional Epidermolysis Bullosa; EPIDERMOLYSIS BULLOSA, JUNCTIONAL 1A, INTERMEDIATE; Adult junctional epidermolysis bullosa; EPIDERMOLYSIS BULLOSA JUNCTIONALIS, DISENTIS TYPE; EPIDERMOLYSIS BULLOSA JUNCTIONALIS, NON-HERLITZ TYPE. Identifiers: Orphanet 251393, Orphanet 79402, Orphanet 79405, Orphanet 89840, MedGen C0268374, MONDO:0009180, OMIM 226650.

gnomAD v4.1: 3 of 1,614,184 alleles (0.00019%); highest among the groups gnomAD compares: Non-Finnish European, 0.00025%; no homozygotes.

Submission:

Neuberg Centre For Genomic Medicine, NCGM
Classification: Likely pathogenic for Junctional epidermolysis bullosa, non-Herlitz type. Review status: criteria provided, single submitter. Criteria: ACMG Guidelines, 2015. Collection method: clinical testing. Allele origin: germline. Affected: yes.
Comment: The stop gained p.S170* in COL17A1 (NM_000494.4) has not been reported previously as a pathogenic variant nor as a benign variant, to our knowledge. This variant is predicted to cause loss of normal protein function through protein truncation. Loss of function variants have been previously reported to be disease causing. For these reasons, this variant has been classified as Likely Pathogenic.